The following is an entry in ClinVar:

NM_000051.4(ATM):c.2569C>G (p.Leu857Val)

Gene: ATM (ATM serine/threonine kinase; plus strand). Cytogenetic location: 11q22.3.
Variant type: single nucleotide variant.
Coding change: c.2569C>G on transcript NM_000051.4 (MANE Select); coding-DNA position 2569, C replaced by G.
Protein change: p.Leu857Val; replaces leucine 857 with valine.
Molecular consequence: missense variant.
Genome position (GRCh38, 1-based): chr11:108,267,273, C>G. VCF-style: chr11-108267273-C-G. GRCh37 (hg19) VCF-style: chr11-108138000-C-G.
Other names: c.2569C>G, p.Leu857Val (NM_001351834.2); short protein forms L857V.
Identifiers: ClinVar variation 232001 (VCV000232001.20), dbSNP rs876659486, ClinGen allele CA10579062.

ClinVar aggregate classification (germline): Conflicting classifications of pathogenicity. Review status: criteria provided, conflicting classifications (1 of 4 stars). 5 submissions from 5 submitters: Uncertain significance (4); Likely benign (1). Last evaluated 2025-11-10.

Conditions:
Ataxia-telangiectasia syndrome (AT). Also called: Ataxia telangiectasia (A-T); Ataxia-telangiectasia, complementation group E; LOUIS-BAR SYNDROME; Cerebello-oculocutaneous telangiectasia; Immunodeficiency with ataxia telangiectasia; Ataxia-telangiectasia, complementation group D. Identifiers: Orphanet 100, MedGen C0004135, MONDO:0008840, OMIM 208900.
Familial cancer of breast. Also called: Hereditary breast cancer; hereditary breast carcinoma; BREAST CANCER, FAMILIAL. Identifiers: Orphanet 227535, MedGen C0346153, MONDO:0016419, OMIM 114480. Disease mechanism: loss of function.
Hereditary cancer-predisposing syndrome. Also called: Hereditary Cancer Syndrome; Neoplastic Syndromes, Hereditary; Tumor predisposition; Hereditary neoplastic syndrome. Identifiers: Orphanet 140162, MedGen C0027672, MeSH D009386, MONDO:0015356.

Allele frequency attached by ClinVar (database versions not stated): gnomAD exomes below 0.00001.
gnomAD v4.1: 3 of 1,614,118 alleles (0.00019%); highest among the groups gnomAD compares: Admixed American, 0.0017%; no homozygotes.

Submissions (5):

Labcorp Genetics (formerly Invitae), Labcorp
Classification: Uncertain significance for Ataxia-telangiectasia syndrome. Last evaluated: 2025-11-10. Review status: criteria provided, single submitter. Criteria: Invitae Variant Classification Sherloc (09022015). Collection method: clinical testing. Allele origin: germline.
Comment: This sequence change replaces leucine, which is neutral and non-polar, with valine, which is neutral and non-polar, at codon 857 of the ATM protein (p.Leu857Val). This variant is not present in population databases (gnomAD no frequency). This variant has not been reported in the literature in individuals affected with ATM-related conditions. ClinVar contains an entry for this variant (Variation ID: 232001). Invitae Evidence Modeling of protein sequence and biophysical properties (such as structural, functional, and spatial information, amino acid conservation, physicochemical variation, residue mobility, and thermodynamic stability) indicates that this missense variant is not expected to disrupt ATM protein function with a negative predictive value of 95%. In summary, the available evidence is currently insufficient to determine the role of this variant in disease. Therefore, it has been classified as a Variant of Uncertain Significance.

Ambry Genetics
Classification: Likely benign for Hereditary cancer-predisposing syndrome. Last evaluated: 2024-01-31. Review status: criteria provided, single submitter. Criteria: Ambry Variant Classification Scheme 2023. Collection method: clinical testing. Allele origin: germline.

GeneDx
Classification: Uncertain significance. Last evaluated: 2022-10-11. Review status: criteria provided, single submitter. Criteria: GeneDx Variant Classification Process June 2021. Collection method: clinical testing. Allele origin: germline. Affected: yes.
Comment: Not observed at significant frequency in large population cohorts (gnomAD); In silico analysis supports that this missense variant does not alter protein structure/function; Has not been previously published as pathogenic or benign to our knowledge

Fulgent Genetics
Classification: Uncertain significance for Familial cancer of breast; Ataxia-telangiectasia syndrome. Last evaluated: 2022-05-20. Review status: criteria provided, single submitter. Criteria: ACMG Guidelines, 2015. Collection method: clinical testing. Allele origin: unknown.

Color Diagnostics, LLC DBA Color Health
Classification: Uncertain significance for Hereditary cancer-predisposing syndrome. Last evaluated: 2020-01-17. Review status: criteria provided, single submitter. Criteria: ACMG Guidelines, 2015. Collection method: clinical testing. Allele origin: germline.
Comment: This missense variant replaces leucine with valine at codon 857 of the ATM protein. Computational prediction tool suggests that this variant may not impact protein structure and function (internally defined REVEL score threshold ≤0.5, PMID: 27666373). Splice site prediction tools suggest that this variant may not impact RNA splicing. To our knowledge, functional studies have not been performed for this variant. This variant has not been reported in individuals affected with hereditary cancer in the literature. This variant has not been identified in the general population by the Genome Aggregation Database (gnomAD). The available evidence is insufficient to determine the role of this variant in disease conclusively. Therefore, this variant is classified as a Variant of Uncertain Significance.